The following is an entry in ClinVar:

ClinVar aggregate classification (germline): Uncertain significance (1 of 4 stars; one submission).

Allele frequency attached by ClinVar (database versions not stated): gnomAD exomes below 0.00001; gnomAD 0.00002; TOPMed 0.00002.
gnomAD v4.1: 5 of 1,614,008 alleles (0.00031%); highest among the groups gnomAD compares: African/African-American, 0.0053%; no homozygotes.

Submission:

Labcorp Genetics (formerly Invitae), Labcorp
Classification: Uncertain significance. Last evaluated: 2021-08-31. Review status: criteria provided, single submitter. Criteria: Invitae Variant Classification Sherloc (09022015). Collection method: clinical testing. Allele origin: germline.
Comment: This sequence change replaces valine with methionine at codon 2726 of the SZT2 protein (p.Val2726Met). The valine residue is moderately conserved and there is a small physicochemical difference between valine and methionine. This variant is not present in population databases (ExAC no frequency). This variant has not been reported in the literature in individuals affected with SZT2-related conditions. Algorithms developed to predict the effect of missense changes on protein structure and function (SIFT, PolyPhen-2, Align-GVGD) all suggest that this variant is likely to be tolerated. In summary, the available evidence is currently insufficient to determine the role of this variant in disease. Therefore, it has been classified as a Variant of Uncertain Significance.

NM_001365999.1(SZT2):c.8347G>A (p.Val2783Met)

Gene: SZT2 (SZT2 subunit of KICSTOR complex; plus strand). Cytogenetic location: 1p34.2.
Variant type: single nucleotide variant.
Coding change: c.8347G>A on transcript NM_001365999.1 (MANE Select); coding-DNA position 8347, G replaced by A.
Protein change: p.Val2783Met; replaces valine 2783 with methionine.
Molecular consequence: missense variant.
Genome position (GRCh38, 1-based): chr1:43,443,014, G>A. VCF-style: chr1-43443014-G-A. GRCh37 (hg19) VCF-style: chr1-43908685-G-A.
Other names: c.8176G>A, p.Val2726Met (NM_015284.4); short protein forms V2783M, V2726M.
Identifiers: ClinVar variation 640777 (VCV000640777.6), dbSNP rs1198874942, ClinGen allele CA340038630.